The following is an entry in ClinVar:

ClinVar aggregate classification (germline): Likely pathogenic. Review status: criteria provided, multiple submitters, no conflicts (2 of 4 stars). 2 submissions from 2 submitters: Likely pathogenic (2). Last evaluated 2025-01-12.

Conditions:
SAG-related disorder. Also called: SAG-related condition; SAG-related disorders.

Submissions (2):

Labcorp Genetics (formerly Invitae), Labcorp
Classification: Likely pathogenic. Last evaluated: 2025-01-12. Review status: criteria provided, single submitter. Criteria: Invitae Variant Classification Sherloc (09022015). Collection method: clinical testing. Allele origin: germline.
Comment: This sequence change affects a donor splice site in intron 3 of the SAG gene. It is expected to disrupt RNA splicing. Variants that disrupt the donor or acceptor splice site typically lead to a loss of protein function (PMID: 16199547), and loss-of-function variants in SAG are known to be pathogenic (PMID: 9452120, 15234147, 22665972). The frequency data for this variant in the population databases is considered unreliable, as metrics indicate poor data quality at this position in the gnomAD database. Disruption of this splice site has been observed in individual(s) with retinitis pigmentosa and/or SAG-related conditions (PMID: 32531858; Internal data). Algorithms developed to predict the effect of sequence changes on RNA splicing suggest that this variant may disrupt the consensus splice site. In summary, the currently available evidence indicates that the variant is pathogenic, but additional data are needed to prove that conclusively. Therefore, this variant has been classified as Likely Pathogenic.

Blueprint Genetics
Classification: Likely pathogenic for SAG-related disorders. Last evaluated: 2020-10-30. Review status: criteria provided, single submitter. Criteria: ACMG Guidelines, 2015. Collection method: clinical testing. Allele origin: germline. Affected: yes. Observed: 1 variant allele.

Literature cited by the submitters: PubMed 16199547 (cited by Labcorp Genetics (formerly Invitae), Labcorp); PubMed 9452120 (cited by Labcorp Genetics (formerly Invitae), Labcorp); PubMed 15234147 (cited by Labcorp Genetics (formerly Invitae), Labcorp); PubMed 22665972 (cited by Labcorp Genetics (formerly Invitae), Labcorp); PubMed 32531858 (cited by Labcorp Genetics (formerly Invitae), Labcorp).

NM_000541.5(SAG):c.136+2T>C

Gene: SAG (S-antigen visual arrestin; plus strand). Cytogenetic location: 2q37.1.
Variant type: single nucleotide variant.
Coding change: c.136+2T>C on transcript NM_000541.5 (MANE Select); the canonical splice donor site of the intron after coding-DNA position 136, T replaced by C.
Molecular consequence: splice donor variant.
Genome position (GRCh38, 1-based): chr2:233,316,137, T>C. VCF-style: chr2-233316137-T-C. GRCh37 (hg19) VCF-style: chr2-234224783-T-C.
Identifiers: ClinVar variation 3659285 (VCV003659285.3).